The following is an entry in ClinVar:

NM_003119.4(SPG7):c.758+4T>C

Gene: SPG7 (SPG7 matrix AAA peptidase subunit, paraplegin; plus strand). Cytogenetic location: 16q24.3.
Variant type: single nucleotide variant.
Coding change: c.758+4T>C on transcript NM_003119.4 (MANE Select); 4 bases into the intron after coding-DNA position 758, T replaced by C.
Molecular consequence: intron variant.
Genome position (GRCh38, 1-based): chr16:89,526,472, T>C. VCF-style: chr16-89526472-T-C. GRCh37 (hg19) VCF-style: chr16-89592880-T-C.
Other names: c.758+4T>C (NM_001363850.1, NM_199367.3).
Identifiers: ClinVar variation 1011085 (VCV001011085.8), dbSNP rs2058261955, ClinGen allele CA2241746113.

ClinVar aggregate classification (germline): Uncertain significance (1 of 4 stars; one submission).

Conditions:
Hereditary spastic paraplegia 7 (SPG7). Also called: SPASTIC PARAPLEGIA 7, AUTOSOMAL RECESSIVE, WITH OR WITHOUT CEREBELLAR ATAXIA; Spastic paraplegia 7; Hereditary spastic paraplegia Paraplegin type; Autosomal recessive spastic paraplegia type 7; SPG7-related neurologic disorder. Identifiers: Orphanet 99013, MedGen C1846564, MONDO:0011803, OMIM 607259.

Submission:

Labcorp Genetics (formerly Invitae), Labcorp
Classification: Uncertain significance for Hereditary spastic paraplegia 7. Last evaluated: 2020-03-06. Review status: criteria provided, single submitter. Criteria: Invitae Variant Classification Sherloc (09022015). Collection method: clinical testing. Allele origin: germline.
Comment: In summary, the available evidence is currently insufficient to determine the role of this variant in disease. Therefore, it has been classified as a Variant of Uncertain Significance. Nucleotide substitutions within the consensus splice site are a relatively common cause of aberrant splicing (PMID: 17576681, 9536098). Algorithms developed to predict the effect of sequence changes on RNA splicing suggest that this variant is not likely to affect RNA splicing, but this prediction has not been confirmed by published transcriptional studies. This variant has not been reported in the literature in individuals with SPG7-related disease. This variant is not present in population databases (ExAC no frequency). This sequence change falls in intron 5 of the SPG7 gene. It does not directly change the encoded amino acid sequence of the SPG7 protein, but it affects a nucleotide within the consensus splice site of the intron.

Literature cited by the submitters: PubMed 17576681; PubMed 9536098.